The following is an entry in ClinVar:

Conditions:
Breast-ovarian cancer, familial, susceptibility to, 1 (BROVCA1). Also called: BRCA1 Hereditary Breast and Ovarian Cancer; OVARIAN CANCER, SUSCEPTIBILITY TO. Identifiers: Orphanet 145, MedGen C2676676, MONDO:0011450, OMIM 604370. Disease mechanism: loss of function.

Submission:

Brotman Baty Institute, University of Washington
No classification provided (evidence only). Condition: Breast-ovarian cancer, familial 1. Review status: no classification provided. Collection method: in vitro. Allele origin: not applicable. Functional consequence: functionally_normal.
ClinVar note: "not provided" was previously submitted as the classification for the variant. However, the classification appeared to be based only on an observation of functional data so it was converted to no classification on 2025-07-30.

NM_007294.4(BRCA1):c.5465A>T (p.His1822Leu)

Gene: BRCA1 (BRCA1 DNA repair associated; minus strand). Cytogenetic location: 17q21.31.
Variant type: single nucleotide variant.
Coding change: c.5465A>T on transcript NM_007294.4 (MANE Select); coding-DNA position 5465, A replaced by T.
Protein change: p.His1822Leu; replaces histidine 1822 with leucine.
Molecular consequence: missense variant. On other transcripts: synonymous variant (17).
Genome position (GRCh38, 1-based): chr17:43,047,645, T>A on the plus strand (A>T on the coding strand, the complement: BRCA1 is on the minus strand). VCF-style: chr17-43047645-T-A. GRCh37 (hg19) VCF-style: chr17-41199662-T-A.
Other names: c.5381A>T, p.His1794Leu (NM_001407661.1, NM_001407662.1, NM_001407663.1 and 2 more transcripts); c.5342A>T, p.His1781Leu (NM_001407664.1, NM_001407665.1, NM_001407666.1 and 3 more transcripts); c.5339A>T, p.His1780Leu (NM_001407670.1, NM_001407671.1, NM_001407672.1 and 8 more transcripts); c.5336A>T, p.His1779Leu (NM_001407681.1, NM_001407682.1, NM_001407683.1 and 6 more transcripts); c.5333A>T, p.His1778Leu (NM_001407690.1, NM_001407691.1); c.5324A>T, p.His1775Leu (NM_001407692.1, NM_001407694.1, NM_001407695.1 and 12 more transcripts); c.5321A>T, p.His1774Leu (NM_001407732.1, NM_001407733.1, NM_001407734.1 and 18 more transcripts); c.5318A>T, p.His1773Leu (NM_001407838.1, NM_001407839.1, NM_001407841.1 and 12 more transcripts); and 83 more; short protein forms H1775L, H1843L, H1822L, H718L, H1525L, H1693L, H1710L, H1733L.
Identifiers: ClinVar variation 868522 (VCV000868522.3), dbSNP rs2050976068, ClinGen allele CA10590425.